The following is an entry in ClinVar:

NM_000744.7(CHRNA4):c.1355C>T (p.Pro452Leu)

Gene: CHRNA4 (cholinergic receptor nicotinic alpha 4 subunit; minus strand). Cytogenetic location: 20q13.33.
Variant type: single nucleotide variant.
Coding change: c.1355C>T on transcript NM_000744.7 (MANE Select); coding-DNA position 1355, C replaced by T.
Protein change: p.Pro452Leu; replaces proline 452 with leucine.
Molecular consequence: missense variant. On other transcripts: non-coding transcript variant (1).
Genome position (GRCh38, 1-based): chr20:63,350,056, G>A on the plus strand (C>T on the coding strand, the complement: CHRNA4 is on the minus strand). VCF-style: chr20-63350056-G-A. GRCh37 (hg19) VCF-style: chr20-61981408-G-A.
Other names: c.827C>T, p.Pro276Leu (NM_001256573.2); short protein forms P276L, P452L.
Identifiers: ClinVar variation 1021409 (VCV001021409.8), dbSNP rs2068562170, ClinGen allele CA409633800.

ClinVar aggregate classification (germline): Uncertain significance (1 of 4 stars; one submission).

Conditions:
Familial sleep-related hypermotor epilepsy. Also called: Autosomal Dominant Sleep-Related Hypermotor (Hyperkinetic) Epilepsy. Identifiers: Orphanet 98784, MedGen C3696898, MONDO:0000030.

Allele frequency attached by ClinVar (database versions not stated): gnomAD exomes below 0.00001.
gnomAD v4.1: 6 of 1,512,564 alleles (0.0004%); highest among the groups gnomAD compares: Non-Finnish European, 0.00053%; no homozygotes.

Submission:

Labcorp Genetics (formerly Invitae), Labcorp
Classification: Uncertain significance. Last evaluated: 2020-09-15. Review status: criteria provided, single submitter. Criteria: Invitae Variant Classification Sherloc (09022015). Collection method: clinical testing. Allele origin: germline.
Comment: Algorithms developed to predict the effect of missense changes on protein structure and function output the following: SIFT: "Tolerated"; PolyPhen-2: "Benign"; Align-GVGD: "Class C0". The leucine amino acid residue is found in multiple mammalian species, suggesting that this missense change does not adversely affect protein function. These predictions have not been confirmed by published functional studies and their clinical significance is uncertain. This sequence change replaces proline with leucine at codon 452 of the CHRNA4 protein (p.Pro452Leu). The proline residue is weakly conserved and there is a moderate physicochemical difference between proline and leucine. The frequency data for this variant in the population databases is considered unreliable, as metrics indicate insufficient coverage at this position in the ExAC database. This variant has not been reported in the literature in individuals with CHRNA4-related conditions. In summary, the available evidence is currently insufficient to determine the role of this variant in disease. Therefore, it has been classified as a Variant of Uncertain Significance.